The following is an entry in ClinVar:

NM_133642.5(LARGE1):c.2261ACA[1] (p.Asn755del)

Gene: LARGE1 (LARGE xylosyl- and glucuronyltransferase 1; minus strand). Cytogenetic location: 22q12.3.
Variant type: Microsatellite.
Coding change: c.2261ACA[1] on transcript NM_133642.5 (MANE Select); one copy of the 3-base unit ACA starting at c.2261; the reference has two copies in a row; one copy, 3 bases deleted.
Protein change: p.Asn755del; deletes asparagine 755.
Molecular consequence: inframe deletion.
Genome position (GRCh38, 1-based): chr22:33,274,432-33,274,434, TGT deleted on the plus strand (ACA on the coding strand, the reverse complement: LARGE1 is on the minus strand); deleting any 3 consecutive bases within chr22:33,274,432-33,274,438 gives the same sequence; the position shown is the placement nearest the transcript's 3' end. VCF-style (leftmost placement, unchanged base first): chr22-33274431-CTGT-C. GRCh37 (hg19) VCF-style: chr22-33670417-CTGT-C.
Other names: c.2261ACA[1], p.Asn755del (NM_001362949.2, NM_001362951.2, NM_001362953.2 and 4 more transcripts); c.2114ACA[1], p.Asn706del (NM_001378627.1, NM_001378628.1); c.2105ACA[1], p.Asn703del (NM_001378629.1); c.1658ACA[1], p.Asn554del (NM_001378630.1); c.1355ACA[1], p.Asn453del (NM_001378631.1); short protein forms N453del, N554del, N703del, N706del, N755del.
Identifiers: ClinVar variation 1976181 (VCV001976181.2), dbSNP rs749216721, ClinGen allele CA10202537.

ClinVar aggregate classification (germline): Uncertain significance (1 of 4 stars; one submission).

Conditions:
Muscular dystrophy-dystroglycanopathy type B6 (MDDGB6). Also called: MUSCULAR DYSTROPHY-DYSTROGLYCANOPATHY (CONGENITAL WITH IMPAIRED INTELLECTUAL DEVELOPMENT), TYPE B, 6; MUSCULAR DYSTROPHY, CONGENITAL, LARGE-RELATED; MUSCULAR DYSTROPHY, CONGENITAL, TYPE 1D. Identifiers: MedGen C1837229, MONDO:0012138, OMIM 608840.

Submission:

Labcorp Genetics (formerly Invitae), Labcorp
Classification: Uncertain significance for Muscular dystrophy-dystroglycanopathy type B6. Last evaluated: 2022-04-25. Review status: criteria provided, single submitter. Criteria: Invitae Variant Classification Sherloc (09022015). Collection method: clinical testing. Allele origin: germline.
Comment: This variant, c.2264_2266del, results in the deletion of 1 amino acid(s) of the LARGE1 protein (p.Asn755del), but otherwise preserves the integrity of the reading frame. This variant is not present in population databases (gnomAD no frequency). This variant has not been reported in the literature in individuals affected with LARGE1-related conditions. Experimental studies and prediction algorithms are not available or were not evaluated, and the functional significance of this variant is currently unknown. In summary, the available evidence is currently insufficient to determine the role of this variant in disease. Therefore, it has been classified as a Variant of Uncertain Significance.